The following is an entry in ClinVar:

NM_000548.5(TSC2):c.3275C>G (p.Pro1092Arg)

Gene: TSC2 (TSC complex subunit 2; plus strand). Cytogenetic location: 16p13.3.
Variant type: single nucleotide variant.
Coding change: c.3275C>G on transcript NM_000548.5 (MANE Select); coding-DNA position 3275, C replaced by G.
Protein change: p.Pro1092Arg; replaces proline 1092 with arginine.
Molecular consequence: missense variant. On other transcripts: non-coding transcript variant (5).
Genome position (GRCh38, 1-based): chr16:2,079,419, C>G. VCF-style: chr16-2079419-C-G. GRCh37 (hg19) VCF-style: chr16-2129420-C-G.
Other names: c.3143C>G, p.Pro1048Arg (NM_001077183.3, NM_001370404.1, NM_001406665.1); c.3275C>G, p.Pro1092Arg (NM_001114382.3); c.3035C>G, p.Pro1012Arg (NM_001318827.2); c.2999C>G, p.Pro1000Arg (NM_001318829.2); c.2543C>G, p.Pro848Arg (NM_001318831.2, NM_001406687.1, NM_001406688.1); c.3176C>G, p.Pro1059Arg (NM_001318832.2); c.3146C>G, p.Pro1049Arg (NM_001363528.2, NM_001370405.1, NM_021055.3); c.3272C>G, p.Pro1091Arg (NM_001406663.1, NM_001406664.1); and 18 more; short protein forms P1000R, P1011R, P1012R, P1091R, P600R, P895R, P1029R, P1044R.
Identifiers: ClinVar variation 2626443 (VCV002626443.4), dbSNP rs587781774, ClinGen allele CA394286270.

ClinVar aggregate classification (germline): Uncertain significance. Review status: criteria provided, multiple submitters, no conflicts (2 of 4 stars). 2 submissions from 2 submitters: Uncertain significance (2). Last evaluated 2024-08-10.

Conditions:
Tuberous sclerosis 2 (TSC2). Identifiers: Orphanet 805, MedGen C1860707, MONDO:0013199, OMIM 613254.
Hereditary cancer-predisposing syndrome. Also called: Tumor predisposition; Neoplastic Syndromes, Hereditary; Hereditary Cancer Syndrome; Hereditary neoplastic syndrome. Identifiers: Orphanet 140162, MedGen C0027672, MeSH D009386, MONDO:0015356.

Submissions (2):

Labcorp Genetics (formerly Invitae), Labcorp
Classification: Uncertain significance for Tuberous sclerosis 2. Last evaluated: 2024-08-10. Review status: criteria provided, single submitter. Criteria: Invitae Variant Classification Sherloc (09022015). Collection method: clinical testing. Allele origin: germline.
Comment: This sequence change replaces proline, which is neutral and non-polar, with arginine, which is basic and polar, at codon 1092 of the TSC2 protein (p.Pro1092Arg). This variant is not present in population databases (gnomAD no frequency). This variant has not been reported in the literature in individuals affected with TSC2-related conditions. ClinVar contains an entry for this variant (Variation ID: 2626443). Advanced modeling of protein sequence and biophysical properties (such as structural, functional, and spatial information, amino acid conservation, physicochemical variation, residue mobility, and thermodynamic stability) performed at Invitae indicates that this missense variant is not expected to disrupt TSC2 protein function with a negative predictive value of 95%. In summary, the available evidence is currently insufficient to determine the role of this variant in disease. Therefore, it has been classified as a Variant of Uncertain Significance.

Ambry Genetics
Classification: Uncertain significance for Hereditary cancer-predisposing syndrome. Last evaluated: 2023-08-25. Review status: criteria provided, single submitter. Criteria: Ambry Variant Classification Scheme 2023. Collection method: clinical testing. Allele origin: germline.
Comment: The p.P1092R variant (also known as c.3275C>G), located in coding exon 27 of the TSC2 gene, results from a C to G substitution at nucleotide position 3275. The proline at codon 1092 is replaced by arginine, an amino acid with dissimilar properties. This amino acid position is conserved. In addition, the in silico prediction for this alteration is inconclusive. Since supporting evidence is limited at this time, the clinical significance of this alteration remains unclear.